The following is an entry in ClinVar:

ClinVar aggregate classification (germline): Uncertain significance (0 of 4 stars; one submission).

Conditions:
DYRK1B-related disorder. Also called: DYRK1B-related condition.

gnomAD v4.1: 27 of 727,032 alleles (0.0037%); highest among the groups gnomAD compares: Non-Finnish European, 0.0048%; no homozygotes.

Submission:

PreventionGenetics, part of Exact Sciences
Classification: Uncertain significance for DYRK1B-related condition. Last evaluated: 2024-07-18. Review status: no assertion criteria provided. Collection method: clinical testing. Allele origin: germline.
Comment: The DYRK1B c.1111G>C variant is predicted to result in the amino acid substitution p.Gly371Arg. This variant has been reported in an individual with obesity and functional studies found this variant resulted in reduced Wnt signaling (Folon et al. 2024. PubMed ID: 38170957). This variant is reported in 0.0075% of alleles in individuals of European (Non-Finnish) descent in gnomAD. At this time, the clinical significance of this variant is uncertain due to the absence of conclusive functional and genetic evidence.

NM_004714.3(DYRK1B):c.1111G>C (p.Gly371Arg)

Gene: DYRK1B (dual specificity tyrosine phosphorylation regulated kinase 1B; minus strand). Cytogenetic location: 19q13.2.
Variant type: single nucleotide variant.
Coding change: c.1111G>C on transcript NM_004714.3 (MANE Select); coding-DNA position 1111, G replaced by C.
Protein change: p.Gly371Arg; replaces glycine 371 with arginine.
Molecular consequence: missense variant. On other transcripts: intron variant (1).
Genome position (GRCh38, 1-based): chr19:39,826,972, C>G on the plus strand (G>C on the coding strand, the complement: DYRK1B is on the minus strand). VCF-style: chr19-39826972-C-G. GRCh37 (hg19) VCF-style: chr19-40317612-C-G.
Other names: c.1111G>C, p.Gly371Arg (NM_006484.3); c.1096-105G>C (NM_006483.3); short protein forms G371R.
Identifiers: ClinVar variation 3352223 (VCV003352223.1).